The following is an entry in ClinVar:

ClinVar aggregate classification (germline): Conflicting classifications of pathogenicity. Review status: criteria provided, conflicting classifications (1 of 4 stars). 5 submissions from 5 submitters: Uncertain significance (4); Likely benign (1). Last evaluated 2025-08-01.

Conditions:
Inborn genetic diseases. Identifiers: MedGen C0950123, MeSH D030342.
Neuropathy, hereditary sensory and autonomic, type 2A (HSAN2A). Also called: ACROOSTEOLYSIS, GIACCAI TYPE; ACROOSTEOLYSIS, NEUROGENIC; MORVAN DISEASE; NEUROPATHY, CONGENITAL SENSORY; NEUROPATHY, HEREDITARY SENSORY RADICULAR, AUTOSOMAL RECESSIVE; NEUROPATHY, HEREDITARY SENSORY, TYPE IIA. Identifiers: Orphanet 970, MedGen C2752089, MONDO:0024309, OMIM 201300.
Generalized epilepsy with febrile seizures plus, type 7 (GEFSP7). Also called: GEFS+, TYPE 7. Identifiers: Orphanet 36387, MedGen C2751778, MONDO:0013470, OMIM 613863.

Allele frequency attached by ClinVar (database versions not stated): gnomAD 0.00003 and 0.00004; TOPMed 0.00004; gnomAD exomes 0.00005 and 0.00006; ExAC 0.00007; ESP Exome Variant Server 0.00017.
gnomAD v4.1: 96 of 1,582,458 alleles (0.0061%); highest among the groups gnomAD compares: Non-Finnish European, 0.0078%; no homozygotes.

Submissions (5):

Labcorp Genetics (formerly Invitae), Labcorp
Classification: Uncertain significance for Neuropathy, hereditary sensory and autonomic, type 2A; Generalized epilepsy with febrile seizures plus, type 7. Last evaluated: 2025-08-01. Review status: criteria provided, single submitter. Criteria: Invitae Variant Classification Sherloc (09022015). Collection method: clinical testing. Allele origin: germline.
Comment: This sequence change replaces isoleucine, which is neutral and non-polar, with valine, which is neutral and non-polar, at codon 450 of the SCN9A protein (p.Ile450Val). This variant is present in population databases (rs200823610, gnomAD 0.01%). This variant has not been reported in the literature in individuals affected with SCN9A-related conditions. ClinVar contains an entry for this variant (Variation ID: 538437). Invitae Evidence Modeling of protein sequence and biophysical properties (such as structural, functional, and spatial information, amino acid conservation, physicochemical variation, residue mobility, and thermodynamic stability) has been performed for this missense variant. However, the output from this modeling did not meet the statistical confidence thresholds required to predict the impact of this variant on SCN9A protein function. In summary, the available evidence is currently insufficient to determine the role of this variant in disease. Therefore, it has been classified as a Variant of Uncertain Significance.

Laboratory of Genetics, Children's Clinical University Hospital Latvia
Classification: Likely benign. Last evaluated: 2025-02-16. Review status: criteria provided, single submitter. Criteria: ACMG Guidelines, 2015. Collection method: clinical testing. Allele origin: germline. Affected: yes.

Women's Health and Genetics/Laboratory Corporation of America, LabCorp
Classification: Uncertain significance. Last evaluated: 2025-01-03. Review status: criteria provided, single submitter. Criteria: LabCorp Variant Classification Summary - May 2015. Collection method: clinical testing. Allele origin: germline.
Comment: Variant summary: SCN9A c.1348A>G (p.Ile450Val) results in a conservative amino acid change in the encoded protein sequence. Three of three in-silico tools predict a benign effect of the variant on protein function. The variant allele was found at a frequency of 5.2e-05 in 211932 control chromosomes. This frequency is not significantly higher than estimated for a pathogenic variant in SCN9A causing Channelopathy-Associated Congenital Insensitivity To Pain, Autosomal Recessive (5.2e-05 vs 0.0011), allowing no conclusion about variant significance. To our knowledge, no occurrence of c.1348A>G in individuals affected with SCN9A-related conditions and no experimental evidence demonstrating its impact on protein function have been reported. ClinVar contains an entry for this variant (Variation ID: 538437). Based on the evidence outlined above, the variant was classified as uncertain significance.

Blueprint Genetics
Classification: Uncertain significance. Last evaluated: 2024-03-11. Review status: criteria provided, single submitter. Criteria: ACMG Guidelines, 2015. Collection method: clinical testing. Allele origin: germline.

Ambry Genetics
Classification: Uncertain significance for Inborn genetic diseases. Last evaluated: 2022-03-24. Review status: criteria provided, single submitter. Criteria: Ambry Variant Classification Scheme 2023. Collection method: clinical testing. Allele origin: germline.
Comment: The p.I450V variant (also known as c.1348A>G), located in coding exon 10 of the SCN9A gene, results from an A to G substitution at nucleotide position 1348. The isoleucine at codon 450 is replaced by valine, an amino acid with highly similar properties. This amino acid position is not well conserved in available vertebrate species. In addition, this alteration is predicted to be tolerated by in silico analysis. Since supporting evidence is limited at this time, the clinical significance of this alteration remains unclear.

NM_001365536.1(SCN9A):c.1348A>G (p.Ile450Val)

Genes: SCN1A-AS1 (SCN1A and SCN9A antisense RNA 1; plus strand), SCN9A (sodium voltage-gated channel alpha subunit 9; minus strand). Cytogenetic location: 2q24.3.
Variant type: single nucleotide variant.
Coding change: c.1348A>G on transcript NM_001365536.1 (MANE Select); coding-DNA position 1348, A replaced by G.
Protein change: p.Ile450Val; replaces isoleucine 450 with valine.
Molecular consequence: missense variant.
Genome position (GRCh38, 1-based): chr2:166,286,590, T>C on the plus strand (A>G on the coding strand, the complement: SCN9A is on the minus strand). VCF-style: chr2-166286590-T-C. GRCh37 (hg19) VCF-style: chr2-167143100-T-C.
Other names: c.1348A>G, p.Ile450Val (NM_002977.4); short protein forms I450V.
Identifiers: ClinVar variation 538437 (VCV000538437.18), dbSNP rs200823610, ClinGen allele CA1944522.